The following is an entry in ClinVar:

ClinVar aggregate classification (germline): Uncertain significance (1 of 4 stars; one submission).

Conditions:
Hereditary cancer-predisposing syndrome. Also called: Neoplastic Syndromes, Hereditary; Tumor predisposition; Hereditary Cancer Syndrome; Hereditary neoplastic syndrome. Identifiers: Orphanet 140162, MedGen C0027672, MeSH D009386, MONDO:0015356.

Submission:

Ambry Genetics
Classification: Uncertain significance for Hereditary cancer-predisposing syndrome. Last evaluated: 2018-12-29. Review status: criteria provided, single submitter. Criteria: Ambry Variant Classification Scheme 2023. Collection method: clinical testing. Allele origin: germline.
Comment: The c.1656_1658delCTC variant (also known as p.S553del), located in coding exon 7 of the BARD1 gene, results from an in-frame CTC deletion at nucleotide positions 1656 to 1658. This results in the in-frame deletion of a serine at codon 553. This amino acid position is not well conserved in available vertebrate species. Since supporting evidence is limited at this time, the clinical significance of this alteration remains unclear.

NM_000465.4(BARD1):c.1656_1658del (p.Ser553del)

Gene: BARD1 (BRCA1 associated RING domain 1; minus strand). Cytogenetic location: 2q35.
Variant type: Deletion.
Coding change: c.1656_1658del on transcript NM_000465.4 (MANE Select); coding-DNA positions 1656 to 1658, 3 bases deleted (CTC; older notation c.1656_1658delCTC).
Protein change: p.Ser553del; deletes serine 553.
Molecular consequence: inframe deletion. On other transcripts: non-coding transcript variant (3), intron variant (1).
Genome position (GRCh38, 1-based): chr2:214,752,466-214,752,468, GAG deleted on the plus strand (CTC on the coding strand, the reverse complement: BARD1 is on the minus strand); deleting any 3 consecutive bases within chr2:214,752,466-214,752,470 gives the same sequence; the c. name uses the placement nearest the transcript's 3' end. VCF-style (leftmost placement, unchanged base first): chr2-214752465-TGAG-T. GRCh37 (hg19) VCF-style: chr2-215617189-TGAG-T.
Other names: c.1599_1601del, p.Ser534del (NM_001282543.2); c.303_305del, p.Ser102del (NM_001282545.2); c.246_248del, p.Ser83del (NM_001282548.2); c.365-21960_365-21958del (NM_001282549.2); short protein forms S102del, S534del, S553del, S83del.
Identifiers: ClinVar variation 1777348 (VCV001777348.2), dbSNP rs2469377767, ClinGen allele CA2580065595.
Genomic context (GRCh38, chr2:214,752,465, plus strand): 5'-TAATAAAATATATAAATGTCCCAAAGCTAAATCCATACTTACTACTGAGCAGTGGCTAGC[TGAG>T]GATGATTCATTCTTCTCTGGTAGCAGCAATAGCGATTTCATACTTTCATCATCTGTATAA-3'